The following is an entry in ClinVar:

ClinVar aggregate classification (germline): Conflicting classifications of pathogenicity. Review status: criteria provided, conflicting classifications (1 of 4 stars). 2 submissions from 2 submitters: Uncertain significance (1); Likely benign (1). Last evaluated 2021-06-15.

Allele frequency attached by ClinVar (database versions not stated): gnomAD exomes 0.00001 and 0.00005; ExAC 0.00006; gnomAD 0.00008 and 0.00011; 1000 Genomes Project 30x 0.00062.

Submissions (2):

GeneDx
Classification: Likely benign. Last evaluated: 2021-06-15. Review status: criteria provided, single submitter. Criteria: GeneDx Variant Classification Process June 2021. Collection method: clinical testing. Allele origin: germline. Affected: yes.

Laboratory for Molecular Medicine, Mass General Brigham Personalized Medicine
Classification: Uncertain significance. Last evaluated: 2016-05-28. Review status: criteria provided, single submitter. Criteria: LMM Criteria. Collection method: clinical testing. Allele origin: germline. Observed: 2 variant alleles.
Comment: Variant classified as Uncertain Significance - Favor Benign. The c.4038+6_4038+7 delCA variant in MYO15A has not been previously reported in individuals with hea ring loss, but it has been identified in 6/9798 African chromosomes by the Exome Aggregation Consortium (ExAC;); however, its fr equency is not high enough to rule out a pathogenic role. Several other inserti ons and deletions in this region have been reported at low frequency by ExAC. T his variant is located in the 5' splice region. Computational tools do not sugge st an impact to splicing. However, this information is not predictive enough to rule out pathogenicity. In summary, while the clinical significance of the c.403 8+6_4038+7delCA variant is uncertain, these data suggest that it is more likely to be benign.

NM_016239.4(MYO15A):c.4038+6_4038+7del

Gene: MYO15A (myosin XVA; plus strand). Cytogenetic location: 17p11.2.
Variant type: Deletion.
Coding change: c.4038+6_4038+7del on transcript NM_016239.4 (MANE Select); bases 6 to 7 of the intron after coding-DNA position 4038, 2 bases deleted (CA; older notation c.4038+6_4038+7delCA).
Molecular consequence: intron variant.
Genome position (GRCh38, 1-based): chr17:18,130,816-18,130,817, CA deleted. VCF-style (leftmost placement, unchanged base first): chr17-18130815-TCA-T. GRCh37 (hg19) VCF-style: chr17-18034129-TCA-T.
Identifiers: ClinVar variation 504980 (VCV000504980.6), dbSNP rs1491110483, ClinGen allele CA8423720.